The following is an entry in ClinVar:

ClinVar aggregate classification (germline): Uncertain significance. Review status: criteria provided, multiple submitters, no conflicts (2 of 4 stars). 2 submissions from 2 submitters: Uncertain significance (2). Last evaluated 2022-11-08.

Conditions:
Cardiomyopathy (CMYO). Also called: Cardiomyopathies. Identifiers: Orphanet 167848, MedGen C0878544, MONDO:0004994, HP:0001638. Inheritance: Various modes of inheritance.
Hypertrophic cardiomyopathy. Also called: HYPERTROPHIC MYOCARDIOPATHY. Identifiers: Orphanet 217569, MedGen C0007194, MeSH D002312, MONDO:0005045, HP:0001639.

Allele frequency attached by ClinVar (database versions not stated): gnomAD exomes below 0.00001.
gnomAD v4.1: 2 of 1,527,048 alleles (0.00013%); highest among the groups gnomAD compares: Non-Finnish European, 0.00018%; no homozygotes.

Submissions (2):

Color Diagnostics, LLC DBA Color Health
Classification: Uncertain significance for Cardiomyopathy. Last evaluated: 2022-11-08. Review status: criteria provided, single submitter. Criteria: ACMG Guidelines, 2015. Collection method: clinical testing. Allele origin: germline.
Comment: This variant causes an A to G nucleotide substitution at the +3 position of intron 2 of the MYBPC3 gene. To our knowledge, functional studies have not been reported for this variant. This variant has not been reported in individuals affected with MYBPC3-related disorders in the literature. This variant has not been identified in the general population by the Genome Aggregation Database (gnomAD). The available evidence is insufficient to determine the role of this variant in disease conclusively. Therefore, this variant is classified as a Variant of Uncertain Significance.

Labcorp Genetics (formerly Invitae), Labcorp
Classification: Uncertain significance for Hypertrophic cardiomyopathy. Last evaluated: 2020-03-18. Review status: criteria provided, single submitter. Criteria: Invitae Variant Classification Sherloc (09022015). Collection method: clinical testing. Allele origin: germline.
Comment: In summary, the available evidence is currently insufficient to determine the role of this variant in disease. Therefore, it has been classified as a Variant of Uncertain Significance. Nucleotide substitutions within the consensus splice site are a relatively common cause of aberrant splicing (PMID: 17576681, 9536098). Algorithms developed to predict the effect of sequence changes on RNA splicing suggest that this variant is not likely to affect RNA splicing, but this prediction has not been confirmed by published transcriptional studies. This variant has not been reported in the literature in individuals with MYBPC3-related conditions. This variant is not present in population databases (ExAC no frequency). This sequence change falls in intron 2 of the MYBPC3 gene. It does not directly change the encoded amino acid sequence of the MYBPC3 protein, but it affects a nucleotide within the consensus splice site of the intron.

Literature cited by the submitters: PubMed 17576681 (cited by Labcorp Genetics (formerly Invitae), Labcorp); PubMed 9536098 (cited by Labcorp Genetics (formerly Invitae), Labcorp).

NM_000256.3(MYBPC3):c.292+3A>G

Gene: MYBPC3 (myosin binding protein C3; minus strand). Cytogenetic location: 11p11.2.
Variant type: single nucleotide variant.
Coding change: c.292+3A>G on transcript NM_000256.3 (MANE Select); 3 bases into the intron after coding-DNA position 292, A replaced by G.
Molecular consequence: intron variant.
Genome position (GRCh38, 1-based): chr11:47,351,236, T>C on the plus strand (A>G on the coding strand, the complement: MYBPC3 is on the minus strand). VCF-style: chr11-47351236-T-C. GRCh37 (hg19) VCF-style: chr11-47372787-T-C.
Identifiers: ClinVar variation 1051058 (VCV001051058.9), dbSNP rs2142869308, ClinGen allele CA2499220994.